The following is an entry in ClinVar:

NM_001012614.2(CTBP1):c.472G>A (p.Ala158Thr)

Gene: CTBP1 (C-terminal binding protein 1; minus strand). Cytogenetic location: 4p16.3.
Variant type: single nucleotide variant.
Coding change: c.472G>A on transcript NM_001012614.2 (MANE Select); coding-DNA position 472, G replaced by A.
Protein change: p.Ala158Thr; replaces alanine 158 with threonine.
Molecular consequence: missense variant.
Genome position (GRCh38, 1-based): chr4:1,225,402, C>T on the plus strand (G>A on the coding strand, the complement: CTBP1 is on the minus strand). VCF-style: chr4-1225402-C-T. GRCh37 (hg19) VCF-style: chr4-1219190-C-T.
Other names: c.505G>A, p.Ala169Thr (NM_001328.3, NM_001377186.1); c.472G>A, p.Ala158Thr (NM_001377187.1, NM_001377188.1, NM_001377189.1 and 4 more transcripts); short protein forms A158T, A169T.
Identifiers: ClinVar variation 2654551 (VCV002654551.24), dbSNP rs1348305467, ClinGen allele CA355953900.
Genomic context (GRCh38, chr4:1,225,402, plus strand): 5'-GAGCTGCGGCCGACGCACCAAGTCCGATGATGCCCAAGGTCTCCCCGCGGATCCTGGCAG[C>T]GCCGGACGCCACCTCGCGGATCTGCTCGACGCTCTGGACTCGTGTGCCCTCCCGCAGCGC-3'
Protein context (NP_001012632.1, residues 148-168): VEQIREVASG[Ala158Thr]ARIRGETLGI

ClinVar aggregate classification (germline): Uncertain significance (1 of 4 stars; one submission).

Allele frequency attached by ClinVar (database versions not stated): gnomAD 0.00001.
gnomAD v4.1: 4 of 1,566,666 alleles (0.00026%); highest among the groups gnomAD compares: African/African-American, 0.0014%; no homozygotes.

Submission:

CeGaT Center for Human Genetics Tuebingen
Classification: Uncertain significance. Last evaluated: 2022-06-01. Review status: criteria provided, single submitter. Criteria: CeGaT Center For Human Genetics Tuebingen Variant Classification Criteria Version 2. Collection method: clinical testing. Allele origin: germline. Affected: yes. Observed: 1 variant allele.
Comment: CTBP1: PP2